The following is an entry in ClinVar:

ClinVar aggregate classification (germline): Uncertain significance (1 of 4 stars; one submission).

Conditions:
Cardiovascular phenotype. Identifiers: MedGen CN230736.

Allele frequency attached by ClinVar (database versions not stated): gnomAD 0.00001.
gnomAD v4.1: 2 of 1,613,628 alleles (0.00012%); highest among the groups gnomAD compares: Admixed American, 0.0017%; no homozygotes.

Submission:

Ambry Genetics
Classification: Uncertain significance for Cardiovascular phenotype. Last evaluated: 2022-04-19. Review status: criteria provided, single submitter. Criteria: Ambry Variant Classification Scheme 2023. Collection method: clinical testing. Allele origin: germline.
Comment: The p.H1434Y variant (also known as c.4300C>T), located in coding exon 10 of the TNXB gene, results from a C to T substitution at nucleotide position 4300. The histidine at codon 1434 is replaced by tyrosine, an amino acid with similar properties. This amino acid position is conserved. In addition, this alteration is predicted to be tolerated by in silico analysis. Since supporting evidence is limited at this time, the clinical significance of this alteration remains unclear.

NM_001365276.2(TNXB):c.4300C>T (p.His1434Tyr)

Gene: TNXB (tenascin XB; minus strand). Cytogenetic location: 6p21.33.
Variant type: single nucleotide variant.
Coding change: c.4300C>T on transcript NM_001365276.2 (MANE Select); coding-DNA position 4300, C replaced by T.
Protein change: p.His1434Tyr; replaces histidine 1434 with tyrosine.
Molecular consequence: missense variant.
Genome position (GRCh38, 1-based): chr6:32,079,108, G>A on the plus strand (C>T on the coding strand, the complement: TNXB is on the minus strand). VCF-style: chr6-32079108-G-A. GRCh37 (hg19) VCF-style: chr6-32046885-G-A.
Other names: c.4300C>T, p.His1434Tyr (NM_019105.8); short protein forms H1434Y.
Identifiers: ClinVar variation 1739556 (VCV001739556.3), dbSNP rs1195102797, ClinGen allele CA363428114.